The following is an entry in ClinVar:

NM_015158.5(KANK1):c.1882A>G (p.Ile628Val)

Gene: KANK1 (KN motif and ankyrin repeat domains 1; plus strand). Cytogenetic location: 9p24.3.
Variant type: single nucleotide variant.
Coding change: c.1882A>G on transcript NM_015158.5 (MANE Select); coding-DNA position 1882, A replaced by G.
Protein change: p.Ile628Val; replaces isoleucine 628 with valine.
Molecular consequence: missense variant. On other transcripts: non-coding transcript variant (1).
Genome position (GRCh38, 1-based): chr9:712,648, A>G. VCF-style: chr9-712648-A-G. GRCh37 (hg19) VCF-style: chr9-712648-A-G.
Other names: c.1882A>G, p.Ile628Val (NM_001256876.3, NM_001256877.3, NM_001354331.2 and 2 more transcripts); c.1408A>G, p.Ile470Val (NM_001354333.2, NM_001354335.2, NM_001354336.2 and 9 more transcripts); short protein forms I470V, I628V.
Identifiers: ClinVar variation 1355698 (VCV001355698.7), dbSNP rs114109003, ClinGen allele CA4960349.

ClinVar aggregate classification (germline): Uncertain significance. Review status: criteria provided, multiple submitters, no conflicts (2 of 4 stars). 2 submissions from 2 submitters: Uncertain significance (2). Last evaluated 2026-01-09.

Conditions:
Cerebral palsy, spastic quadriplegic, 2 (CPSQ2). Identifiers: Orphanet 210141, MedGen C2752061, MONDO:0013033, OMIM 612900.

Allele frequency attached by ClinVar (database versions not stated): ExAC 0.00006; gnomAD exomes 0.00007; gnomAD 0.00009 and 0.00011.
gnomAD v4.1: 95 of 1,614,054 alleles (0.0059%); highest among the groups gnomAD compares: African/African-American, 0.0093%; no homozygotes.

Submissions (2):

Labcorp Genetics (formerly Invitae), Labcorp
Classification: Uncertain significance. Last evaluated: 2026-01-09. Review status: criteria provided, single submitter. Criteria: Invitae Variant Classification Sherloc (09022015). Collection method: clinical testing. Allele origin: germline.
Comment: This sequence change replaces isoleucine, which is neutral and non-polar, with valine, which is neutral and non-polar, at codon 628 of the KANK1 protein (p.Ile628Val). This variant is present in population databases (rs114109003, gnomAD 0.03%). This variant has not been reported in the literature in individuals affected with KANK1-related conditions. ClinVar contains an entry for this variant (Variation ID: 1355698). Invitae Evidence Modeling of protein sequence and biophysical properties (such as structural, functional, and spatial information, amino acid conservation, physicochemical variation, residue mobility, and thermodynamic stability) indicates that this missense variant is not expected to disrupt KANK1 protein function with a negative predictive value of 80%. In summary, the available evidence is currently insufficient to determine the role of this variant in disease. Therefore, it has been classified as a Variant of Uncertain Significance.

Fulgent Genetics
Classification: Uncertain significance for Cerebral palsy, spastic quadriplegic, 2. Last evaluated: 2021-11-02. Review status: criteria provided, single submitter. Criteria: ACMG Guidelines, 2015. Collection method: clinical testing. Allele origin: unknown.